The following is an entry in ClinVar:

ClinVar aggregate classification (germline): Uncertain significance. Review status: criteria provided, multiple submitters, no conflicts (2 of 4 stars). 3 submissions from 3 submitters: Uncertain significance (3). Last evaluated 2024-04-10.

Conditions:
Familial hypocalciuric hypercalcemia (FHH). Also called: Familial benign hypercalcemia. Identifiers: Orphanet 405, MedGen C1809471, MONDO:0018458.
Autosomal dominant hypocalcemia 1 (HYPOC1). Also called: HYPOCALCEMIA, FAMILIAL. Identifiers: MedGen C3715128, MONDO:0011013, OMIM 601198.
Nephrolithiasis/nephrocalcinosis. Identifiers: MedGen CN580796.
Epilepsy, idiopathic generalized, susceptibility to, 8. Identifiers: MedGen C2752062, MONDO:0013032, OMIM 612899.
Familial hypocalciuric hypercalcemia 1. Also called: Hypercalcemia, familial benign type 1. Identifiers: Orphanet 405, Orphanet 93372, MedGen C0342637, MONDO:0007791, OMIM 145980.
Neonatal severe primary hyperparathyroidism. Identifiers: Orphanet 417, MedGen C1832615, MONDO:0009397, OMIM 239200.

Allele frequency attached by ClinVar (database versions not stated): gnomAD exomes below 0.00001 and 0.00001; ExAC 0.00001; gnomAD 0.00001; TOPMed 0.00001.

Submissions (3):

Fulgent Genetics
Classification: Uncertain significance for Familial hypocalciuric hypercalcemia 1; Neonatal severe primary hyperparathyroidism; Autosomal dominant hypocalcemia 1; Epilepsy, idiopathic generalized, susceptibility to, 8. Last evaluated: 2024-04-10. Review status: criteria provided, single submitter. Criteria: ACMG Guidelines, 2015. Collection method: clinical testing. Allele origin: germline.

Ambry Genetics
Classification: Uncertain significance for Nephrolithiasis/nephrocalcinosis. Last evaluated: 2024-03-27. Review status: criteria provided, single submitter. Criteria: Ambry Variant Classification Scheme 2023. Collection method: clinical testing. Allele origin: germline.
Comment: The p.I738T variant (also known as c.2213T>C), located in coding exon 6 of the CASR gene, results from a T to C substitution at nucleotide position 2213. The isoleucine at codon 738 is replaced by threonine, an amino acid with similar properties. This amino acid position is highly conserved in available vertebrate species. In addition, this alteration is predicted to be deleterious by in silico analysis. In addition, the evidence for the gene-disease relationship is limited for pancreatitis and cancer predisposition; therefore, the clinical significance of this variant for CASR-related pancreatitis and cancer predisposition is unclear. Based on the available evidence, the clinical significance of this alteration remains unclear.

Labcorp Genetics (formerly Invitae), Labcorp
Classification: Uncertain significance for Familial hypocalciuric hypercalcemia; Autosomal dominant hypocalcemia 1. Last evaluated: 2023-10-04. Review status: criteria provided, single submitter. Criteria: Invitae Variant Classification Sherloc (09022015). Collection method: clinical testing. Allele origin: germline.
Comment: This sequence change replaces isoleucine, which is neutral and non-polar, with threonine, which is neutral and polar, at codon 738 of the CASR protein (p.Ile738Thr). This variant is present in population databases (rs759337909, gnomAD 0.003%). This variant has not been reported in the literature in individuals affected with CASR-related conditions. ClinVar contains an entry for this variant (Variation ID: 854641). An algorithm developed to predict the effect of missense changes on protein structure and function (PolyPhen-2) suggests that this variant is likely to be tolerated. In summary, the available evidence is currently insufficient to determine the role of this variant in disease. Therefore, it has been classified as a Variant of Uncertain Significance.

NM_000388.4(CASR):c.2213T>C (p.Ile738Thr)

Gene: CASR (calcium sensing receptor; plus strand). Cytogenetic location: 3q21.1.
Variant type: single nucleotide variant.
Coding change: c.2213T>C on transcript NM_000388.4 (MANE Select); coding-DNA position 2213, T replaced by C.
Protein change: p.Ile738Thr; replaces isoleucine 738 with threonine.
Molecular consequence: missense variant.
Genome position (GRCh38, 1-based): chr3:122,284,167, T>C. VCF-style: chr3-122284167-T-C. GRCh37 (hg19) VCF-style: chr3-122003014-T-C.
Other names: c.2243T>C, p.Ile748Thr (NM_001178065.2); short protein forms I738T, I748T.
Identifiers: ClinVar variation 854641 (VCV000854641.15), dbSNP rs759337909, ClinGen allele CA2569794.